The following is an entry in ClinVar:

ClinVar aggregate classification (germline): Uncertain significance (1 of 4 stars; one submission).

Submission:

Labcorp Genetics (formerly Invitae), Labcorp
Classification: Uncertain significance. Last evaluated: 2022-10-17. Review status: criteria provided, single submitter. Criteria: Invitae Variant Classification Sherloc (09022015). Collection method: clinical testing. Allele origin: germline.
Comment: In summary, the available evidence is currently insufficient to determine the role of this variant in disease. Therefore, it has been classified as a Variant of Uncertain Significance. This sequence change replaces valine, which is neutral and non-polar, with leucine, which is neutral and non-polar, at codon 405 of the ADAMTS10 protein (p.Val405Leu). This variant is not present in population databases (gnomAD no frequency). This variant has not been reported in the literature in individuals affected with ADAMTS10-related conditions. Algorithms developed to predict the effect of missense changes on protein structure and function (SIFT, PolyPhen-2, Align-GVGD) all suggest that this variant is likely to be tolerated.

NM_030957.4(ADAMTS10):c.1213G>T (p.Val405Leu)

Gene: ADAMTS10 (ADAM metallopeptidase with thrombospondin type 1 motif 10; minus strand). Cytogenetic location: 19p13.2.
Variant type: single nucleotide variant.
Coding change: c.1213G>T on transcript NM_030957.4 (MANE Select); coding-DNA position 1213, G replaced by T.
Protein change: p.Val405Leu; replaces valine 405 with leucine.
Molecular consequence: missense variant.
Genome position (GRCh38, 1-based): chr19:8,596,197, C>A on the plus strand (G>T on the coding strand, the complement: ADAMTS10 is on the minus strand). VCF-style: chr19-8596197-C-A. GRCh37 (hg19) VCF-style: chr19-8661081-C-A.
Other names: short protein forms V405L.
Identifiers: ClinVar variation 2059762 (VCV002059762.4), dbSNP rs1555740120, ClinGen allele CA403755455.